The following is an entry in ClinVar:

ClinVar aggregate classification (germline): Likely benign (0 of 4 stars; one submission).

Conditions:
KRT5-related disorder. Also called: KRT5-related condition.

Allele frequency attached by ClinVar (database versions not stated): ExAC 0.00014; gnomAD 0.00014; ESP Exome Variant Server 0.00015; TOPMed 0.00015; gnomAD exomes 0.00030.

Submission:

PreventionGenetics, part of Exact Sciences
Classification: Likely benign for KRT5-related condition. Last evaluated: 2024-02-23. Review status: no assertion criteria provided. Collection method: clinical testing. Allele origin: germline.
Comment: This variant is classified as likely benign based on ACMG/AMP sequence variant interpretation guidelines (Richards et al. 2015 PMID: 25741868, with internal and published modifications).

NM_000424.4(KRT5):c.556-25A>G

Genes: KRT5 (keratin 5; minus strand), LOC126861526 (BRD4-independent group 4 enhancer GRCh37_chr12:52912066-52913265; plus strand). Cytogenetic location: 12q13.13.
Variant type: single nucleotide variant.
Coding change: c.556-25A>G on transcript NM_000424.4 (MANE Select); 25 bases into the intron before coding-DNA position 556, A replaced by G.
Molecular consequence: intron variant.
Genome position (GRCh38, 1-based): chr12:52,519,185, T>C on the plus strand (A>G on the coding strand, the complement: KRT5 is on the minus strand). VCF-style: chr12-52519185-T-C. GRCh37 (hg19) VCF-style: chr12-52912969-T-C.
Identifiers: ClinVar variation 3042791 (VCV003042791.2), dbSNP rs370014907, ClinGen allele CA6582811.
Genomic context (GRCh38, chr12:52,519,185, plus strand): 5'-GTCCAGAACCTTGTTCTGCTGCTCCAGGAACCGCACCTGGAGGGGAGCAGGGTTTGAAGA[T>C]AGAGAAACTTGGATTTCATGTTCTATGATCAACTCACTAAGGTGCCTCCCACCTCTTTCC-3'